The following is an entry in ClinVar:

NM_020937.4(FANCM):c.926A>G (p.Glu309Gly)

Gene: FANCM (FA complementation group M; plus strand). Cytogenetic location: 14q21.2.
Variant type: single nucleotide variant.
Coding change: c.926A>G on transcript NM_020937.4 (MANE Select); coding-DNA position 926, A replaced by G.
Protein change: p.Glu309Gly; replaces glutamic acid 309 with glycine.
Molecular consequence: missense variant.
Genome position (GRCh38, 1-based): chr14:45,151,404, A>G. VCF-style: chr14-45151404-A-G. GRCh37 (hg19) VCF-style: chr14-45620607-A-G.
Other names: c.848A>G, p.Glu283Gly (NM_001308133.2); c.926A>G, p.Glu309Gly (NM_001308134.2); short protein forms E283G, E309G.
Identifiers: ClinVar variation 3572298 (VCV003572298.1).

ClinVar aggregate classification (germline): Uncertain significance (1 of 4 stars; one submission).

gnomAD v4.1: 1 of 1,613,792 alleles (0.000062%); highest among the groups gnomAD compares: Non-Finnish European, 0.000085%; no homozygotes.

Submission:

Quest Diagnostics Nichols Institute San Juan Capistrano
Classification: Uncertain significance. Last evaluated: 2024-05-07. Review status: criteria provided, single submitter. Criteria: Quest Diagnostics criteria. Collection method: clinical testing. Allele origin: unknown.
Comment: The FANCM c.926A>G (p.Glu309Gly) variant has not been reported in individuals with FANCM-related conditions in the published literature. The frequency of this variant in the general population, 0.000004 (1/250870 chromosomes (Genome Aggregation Database)), is uninformative in the assessment of its pathogenicity. Analysis of this variant using bioinformatics tools for the prediction of the effect of amino acid changes on protein structure and function yielded conflicting predictions that this variant is deleterious or benign. Based on the available information, we are unable to determine the clinical significance of this variant.